The following is an entry in ClinVar:

NM_024685.4(BBS10):c.196A>G (p.Arg66Gly)

Gene: BBS10 (Bardet-Biedl syndrome 10; minus strand). Cytogenetic location: 12q21.2.
Variant type: single nucleotide variant.
Coding change: c.196A>G on transcript NM_024685.4 (MANE Select); coding-DNA position 196, A replaced by G.
Protein change: p.Arg66Gly; replaces arginine 66 with glycine.
Molecular consequence: missense variant.
Genome position (GRCh38, 1-based): chr12:76,348,163, T>C on the plus strand (A>G on the coding strand, the complement: BBS10 is on the minus strand). VCF-style: chr12-76348163-T-C. GRCh37 (hg19) VCF-style: chr12-76741943-T-C.
Other names: short protein forms R66G.
Identifiers: ClinVar variation 1422428 (VCV001422428.3), dbSNP rs780874811, ClinGen allele CA6694413.

ClinVar aggregate classification (germline): Uncertain significance (1 of 4 stars; one submission).

Conditions:
Bardet-Biedl syndrome (BBS). Identifiers: Orphanet 110, MedGen C0752166, MONDO:0015229.

Allele frequency attached by ClinVar (database versions not stated): gnomAD 0.00001; TOPMed 0.00002.

Submission:

Labcorp Genetics (formerly Invitae), Labcorp
Classification: Uncertain significance for Bardet-Biedl syndrome. Last evaluated: 2021-08-09. Review status: criteria provided, single submitter. Criteria: Invitae Variant Classification Sherloc (09022015). Collection method: clinical testing. Allele origin: germline.
Comment: This sequence change replaces arginine with glycine at codon 66 of the BBS10 protein (p.Arg66Gly). The arginine residue is weakly conserved and there is a moderate physicochemical difference between arginine and glycine. This variant is present in population databases (rs780874811, ExAC 0.01%). This variant has not been reported in the literature in individuals affected with BBS10-related conditions. Algorithms developed to predict the effect of missense changes on protein structure and function are either unavailable or do not agree on the potential impact of this missense change (SIFT: "Deleterious"; PolyPhen-2: "Probably Damaging"; Align-GVGD: "Class C0"). Algorithms developed to predict the effect of sequence changes on RNA splicing suggest that this variant may disrupt the consensus splice site. In summary, the available evidence is currently insufficient to determine the role of this variant in disease. Therefore, it has been classified as a Variant of Uncertain Significance.